The following is an entry in ClinVar:

ClinVar aggregate classification (germline): Conflicting classifications of pathogenicity. Review status: criteria provided, conflicting classifications (1 of 4 stars). 3 submissions from 3 submitters: Likely pathogenic (1); Uncertain significance (1). 1 of the submissions does not count toward it. Last evaluated 2023-09-01.

Conditions:
Inborn genetic diseases. Identifiers: MedGen C0950123, MeSH D030342.
KCNQ2-Related Disorders. Also called: KCNQ2-related condition; KCNQ2-related disorder. Identifiers: MedGen CN169299.
Developmental and epileptic encephalopathy, 7 (DEE7). Also called: KCNQ2-Related Neonatal Epileptic Encephalopathy; Early infantile epileptic encephalopathy 7; KCNQ2-Related Neonatal-Onset Developmental and Epileptic Encephalopathy (NEO-DEE). Identifiers: Orphanet 439218, MedGen C3150986, MONDO:0013387, OMIM 613720.

Submissions (9):

Women's Health and Genetics/Laboratory Corporation of America, LabCorp
Classification: Likely pathogenic for KCNQ2-Related Disorders. Last evaluated: 2023-09-01. Review status: criteria provided, single submitter. Criteria: LabCorp Variant Classification Summary - May 2015. Collection method: clinical testing. Allele origin: germline.
Comment: Variant summary: KCNQ2 c.835G>T (p.Gly279Cys) results in a non-conservative amino acid change located in the Ion transport domain (IPR005821) of the encoded protein sequence. Five of five in-silico tools predict a damaging effect of the variant on protein function. The variant was absent in 250870 control chromosomes (gnomAD). c.835G>T has been reported in the literature in at least one individuals affected with KCNQ2-Related Disorders (e.g. Milh_2015). This report does not provide unequivocal conclusions about association of the variant with KCNQ2-Related Disorders. Automated patch clamp assays showed the variant had 4.8% peak current density relative to WT in transfected CHO cells stably expressing KCNQ3 (Vanoye_2022). The following publications have been ascertained in the context of this evaluation (PMID: 25959266, 35104249). One ClinVar submitter has assessed the variant since 2014, and classified the variant as uncertain significance. Based on the evidence outlined above, the variant was classified as likely pathogenic.

Ambry Genetics
Classification: Uncertain significance for Inborn genetic diseases. Last evaluated: 2018-04-20. Review status: criteria provided, single submitter. Criteria: Ambry Variant Classification Scheme 2023. Collection method: clinical testing. Allele origin: germline.
Comment: The p.G279C variant (also known as c.835G>T), located in coding exon 6 of the KCNQ2 gene, results from a G to T substitution at nucleotide position 835. The glycine at codon 279 is replaced by cysteine, an amino acid with highly dissimilar properties. This variant was identified in one individual in a cohort of individuals with recurrent seizures prior to one month of age, a normal metabolic profile, and a normal brain MRI (Milh M et al. Am. J. Med. Genet. A, 2015 Oct;167A:2314-8). This amino acid position is highly conserved in available vertebrate species. In addition, this alteration is predicted to be deleterious by in silico analysis. Based on available evidence to date, the clinical significance of this alteration remains unclear.

Channelopathy-Associated Epilepsy Research Center
No classification provided (evidence only). Condition: Complex neurodevelopmental disorder. Review status: no classification provided. Collection method: literature only. Allele origin: not applicable. Functional consequence: Severe decrease in peak current, Mild slowing of activation, Severe hyperpolarizing shift of voltage dependence of activation. Not counted in ClinVar's aggregate classification.
ClinVar note: "not provided" was previously submitted as the classification for the variant. However, the classification appeared to be based only on an observation of functional data so it was converted to no classification on 2025-07-30.

Channelopathy-Associated Epilepsy Research Center
No classification provided (evidence only). Review status: no classification provided. Collection method: in vitro. Allele origin: not applicable. Functional consequence: Normal peak current. Not counted in ClinVar's aggregate classification.

Channelopathy-Associated Epilepsy Research Center
No classification provided (evidence only). Review status: no classification provided. Collection method: in vitro. Allele origin: not applicable. Functional consequence: Normal peak current. Not counted in ClinVar's aggregate classification.

Channelopathy-Associated Epilepsy Research Center
No classification provided (evidence only). Review status: no classification provided. Collection method: in vitro. Allele origin: not applicable. Functional consequence: Hyperpolarizing shift of voltage dependence of activation. Not counted in ClinVar's aggregate classification.

Channelopathy-Associated Epilepsy Research Center
No classification provided (evidence only). Review status: no classification provided. Collection method: in vitro. Allele origin: not applicable. Functional consequence: Increase in slope of activation. Not counted in ClinVar's aggregate classification.

Channelopathy-Associated Epilepsy Research Center
No classification provided (evidence only). Review status: no classification provided. Collection method: in vitro. Allele origin: not applicable. Functional consequence: Normal rate of activation. Not counted in ClinVar's aggregate classification.

GeneReviews
No classification provided. Condition: Developmental and epileptic encephalopathy, 7. Review status: no classification provided. Collection method: literature only. Allele origin: germline. Affected: yes. Not counted in ClinVar's aggregate classification.
Comment: EE (epileptic encephalopathy)

Literature cited by the submitters: PubMed 25959266 (cited by 3 submitters); PubMed 35104249 (cited by Women's Health and Genetics/Laboratory Corporation of America, LabCorp and Channelopathy-Associated Epilepsy Research Center); NCBI Bookshelf NBK32534 (cited by GeneReviews).

NM_172107.4(KCNQ2):c.835G>T (p.Gly279Cys)

Gene: KCNQ2 (potassium voltage-gated channel subfamily Q member 2; minus strand). Cytogenetic location: 20q13.33.
Variant type: single nucleotide variant.
Coding change: c.835G>T on transcript NM_172107.4 (MANE Select); coding-DNA position 835, G replaced by T.
Protein change: p.Gly279Cys; replaces glycine 279 with cysteine.
Molecular consequence: missense variant.
Genome position (GRCh38, 1-based): chr20:63,439,690, C>A on the plus strand (G>T on the coding strand, the complement: KCNQ2 is on the minus strand). VCF-style: chr20-63439690-C-A. GRCh37 (hg19) VCF-style: chr20-62071043-C-A.
Other names: c.835G>T (NM_172107.3); c.835G>T, p.Gly279Cys (NM_004518.6, NM_172106.3, NM_172108.5 and 1 more transcripts); short protein forms G279C.
Identifiers: ClinVar variation 369765 (VCV000369765.8), dbSNP rs1057516096, ClinGen allele CA10654814.